The following is an entry in ClinVar:

ClinVar aggregate classification (germline): Uncertain significance (1 of 4 stars; one submission).

Conditions:
Hereditary cancer-predisposing syndrome. Also called: Neoplastic Syndromes, Hereditary; Tumor predisposition; Hereditary Cancer Syndrome; Hereditary neoplastic syndrome. Identifiers: Orphanet 140162, MedGen C0027672, MeSH D009386, MONDO:0015356.

Submission:

Ambry Genetics
Classification: Uncertain significance for Hereditary cancer-predisposing syndrome. Last evaluated: 2026-01-29. Review status: criteria provided, single submitter. Criteria: Ambry Variant Classification Scheme 2023. Collection method: clinical testing. Allele origin: germline.
Comment: The p.K235E variant (also known as c.703A>G), located in coding exon 6 of the BRIP1 gene, results from an A to G substitution at nucleotide position 703. The lysine at codon 235 is replaced by glutamic acid, an amino acid with similar properties. This amino acid position is highly conserved in available vertebrate species. In addition, the in silico prediction for this alteration is inconclusive. Based on the available evidence, the clinical significance of this variant remains unclear.

NM_032043.3(BRIP1):c.703A>G (p.Lys235Glu)

Gene: BRIP1 (BRCA1 interacting DNA helicase 1; minus strand). Cytogenetic location: 17q23.2.
Variant type: single nucleotide variant.
Coding change: c.703A>G on transcript NM_032043.3 (MANE Select); coding-DNA position 703, A replaced by G.
Protein change: p.Lys235Glu; replaces lysine 235 with glutamic acid.
Molecular consequence: missense variant.
Genome position (GRCh38, 1-based): chr17:61,808,682, T>C on the plus strand (A>G on the coding strand, the complement: BRIP1 is on the minus strand). VCF-style: chr17-61808682-T-C. GRCh37 (hg19) VCF-style: chr17-59886043-T-C.
Other names: short protein forms K235E.
Identifiers: ClinVar variation 4845184 (VCV004845184.1).